The following is an entry in ClinVar:

NM_006206.6(PDGFRA):c.*8A>T

Gene: PDGFRA (platelet derived growth factor receptor alpha; plus strand). Cytogenetic location: 4q12.
Variant type: single nucleotide variant.
Coding change: c.*8A>T on transcript NM_006206.6 (MANE Select); 8 bases downstream of the stop codon, A replaced by T.
Molecular consequence: 3 prime UTR variant.
Genome position (GRCh38, 1-based): chr4:54,295,280, A>T. VCF-style: chr4-54295280-A-T. GRCh37 (hg19) VCF-style: chr4-55161447-A-T.
Other names: c.*8A>T (NM_001347828.2, NM_001347829.2, NM_001347830.2).
Identifiers: ClinVar variation 4875938 (VCV004875938.1).

ClinVar aggregate classification (germline): Benign (1 of 4 stars; one submission).

Conditions:
Polyps, multiple and recurrent inflammatory fibroid, gastrointestinal. Identifiers: MedGen C5193005, MONDO:0008285, OMIM 175510.

Submission:

Myriad Genetics, Inc.
Classification: Benign for Polyps, multiple and recurrent inflammatory fibroid, gastrointestinal. Last evaluated: 2026-06-18. Review status: criteria provided, single submitter. Criteria: Myriad Autosomal Dominant, Autosomal Recessive and X-Linked Classification Criteria (2023). Collection method: clinical testing. Allele origin: unknown.
Comment: This variant is considered benign. This variant occurs in the non-coding 3' untranslated region of the gene, and is not expected to impact protein function.